The following is an entry in ClinVar:

ClinVar aggregate classification (germline): Uncertain significance (1 of 4 stars; one submission).

Allele frequency attached by ClinVar (database versions not stated): gnomAD exomes below 0.00001.
gnomAD v4.1: 1 of 1,614,078 alleles (0.000062%); highest among the groups gnomAD compares: Non-Finnish European, 0.000085%; no homozygotes.

Submission:

CeGaT Center for Human Genetics Tuebingen
Classification: Uncertain significance. Last evaluated: 2023-02-01. Review status: criteria provided, single submitter. Criteria: CeGaT Center For Human Genetics Tuebingen Variant Classification Criteria Version 2. Collection method: clinical testing. Allele origin: germline. Affected: yes. Observed: 1 variant allele.
Comment: SYNE1: PM2

NM_182961.4(SYNE1):c.19513T>A (p.Tyr6505Asn)

Gene: SYNE1 (spectrin repeat containing nuclear envelope protein 1; minus strand). Cytogenetic location: 6q25.2.
Variant type: single nucleotide variant.
Coding change: c.19513T>A on transcript NM_182961.4 (MANE Select); coding-DNA position 19513, T replaced by A.
Protein change: p.Tyr6505Asn; replaces tyrosine 6505 with asparagine.
Molecular consequence: missense variant.
Genome position (GRCh38, 1-based): chr6:152,249,220, A>T on the plus strand (T>A on the coding strand, the complement: SYNE1 is on the minus strand). VCF-style: chr6-152249220-A-T. GRCh37 (hg19) VCF-style: chr6-152570355-A-T.
Other names: c.19300T>A, p.Tyr6434Asn (NM_033071.5); short protein forms Y6434N, Y6505N.
Identifiers: ClinVar variation 2657008 (VCV002657008.24), dbSNP rs898251519, ClinGen allele CA150199951.